The following is an entry in ClinVar:

NM_182961.4(SYNE1):c.22735T>A (p.Leu7579Met)

Gene: SYNE1 (spectrin repeat containing nuclear envelope protein 1; minus strand). Cytogenetic location: 6q25.2.
Variant type: single nucleotide variant.
Coding change: c.22735T>A on transcript NM_182961.4 (MANE Select); coding-DNA position 22735, T replaced by A.
Protein change: p.Leu7579Met; replaces leucine 7579 with methionine.
Molecular consequence: missense variant.
Genome position (GRCh38, 1-based): chr6:152,208,061, A>T on the plus strand (T>A on the coding strand, the complement: SYNE1 is on the minus strand). VCF-style: chr6-152208061-A-T. GRCh37 (hg19) VCF-style: chr6-152529196-A-T.
Other names: c.22522T>A, p.Leu7508Met (NM_033071.5); short protein forms L7508M, L7579M.
Identifiers: ClinVar variation 842002 (VCV000842002.9), dbSNP rs1257304725, ClinGen allele CA366096027.

ClinVar aggregate classification (germline): Uncertain significance (1 of 4 stars; one submission).

Conditions:
Emery-Dreifuss muscular dystrophy 4, autosomal dominant (EDMD4). Also called: EMERY-DREIFUSS MUSCULAR DYSTROPHY 4 WITH VARIABLE FEATURES. Identifiers: Orphanet 261, MedGen C2751807, MONDO:0013071, OMIM 612998.
Autosomal recessive ataxia, Beauce type. Also called: Spinocerebellar ataxia, autosomal recessive 8; ATAXIA, RECESSIVE, OF BEAUCE; SYNE1-Related Autosomal Recessive Cerebellar Ataxia; SYNE1 Deficiency. Identifiers: Orphanet 88644, MedGen C1853116, MONDO:0012549, OMIM 610743.

Allele frequency attached by ClinVar (database versions not stated): gnomAD exomes 0.00001.
gnomAD v4.1: 3 of 1,613,838 alleles (0.00019%); highest among the groups gnomAD compares: Admixed American, 0.0033%; no homozygotes.

Submission:

Labcorp Genetics (formerly Invitae), Labcorp
Classification: Uncertain significance for Emery-Dreifuss muscular dystrophy 4, autosomal dominant; Autosomal recessive ataxia, Beauce type. Last evaluated: 2022-03-18. Review status: criteria provided, single submitter. Criteria: Invitae Variant Classification Sherloc (09022015). Collection method: clinical testing. Allele origin: germline.
Comment: This variant has not been reported in the literature in individuals affected with SYNE1-related conditions. ClinVar contains an entry for this variant (Variation ID: 842002). Algorithms developed to predict the effect of missense changes on protein structure and function are either unavailable or do not agree on the potential impact of this missense change (SIFT: "Deleterious"; PolyPhen-2: "Probably Damaging"; Align-GVGD: "Class C0"). In summary, the available evidence is currently insufficient to determine the role of this variant in disease. Therefore, it has been classified as a Variant of Uncertain Significance. This sequence change replaces leucine, which is neutral and non-polar, with methionine, which is neutral and non-polar, at codon 7508 of the SYNE1 protein (p.Leu7508Met). This variant is present in population databases (no rsID available, gnomAD 0.006%).